The following is an entry in ClinVar:

ClinVar aggregate classification (germline): Uncertain significance (1 of 4 stars; one submission).

Conditions:
Developmental and epileptic encephalopathy, 17 (DEE17). Also called: Early infantile epileptic encephalopathy 17. Identifiers: Orphanet 1934, MedGen C3809606, MONDO:0014199, OMIM 615473.

Submission:

Institute of Human Genetics, University of Leipzig Medical Center
Classification: Uncertain significance for Developmental and epileptic encephalopathy, 17. Last evaluated: 2025-03-04. Review status: criteria provided, single submitter. Criteria: ACMG Guidelines, 2015. Collection method: clinical testing. Allele origin: unknown. Inheritance: Autosomal dominant inheritance. Affected: yes.
Comment: Criteria applied: PM2,PP2,PP3

NM_020988.3(GNAO1):c.428G>C (p.Arg143Pro)

Gene: GNAO1 (G protein subunit alpha o1; plus strand). Cytogenetic location: 16q13.
Variant type: single nucleotide variant.
Coding change: c.428G>C on transcript NM_020988.3 (MANE Select); coding-DNA position 428, G replaced by C.
Protein change: p.Arg143Pro; replaces arginine 143 with proline.
Molecular consequence: missense variant.
Genome position (GRCh38, 1-based): chr16:56,328,755, G>C. VCF-style: chr16-56328755-G-C. GRCh37 (hg19) VCF-style: chr16-56362667-G-C.
Other names: c.428G>C, p.Arg143Pro (NM_138736.3); short protein forms R143P.
Identifiers: ClinVar variation 3773651 (VCV003773651.2).